The following is an entry in ClinVar:

NM_017755.6(NSUN2):c.*563C>T

Gene: NSUN2 (NOP2/Sun RNA methyltransferase 2; minus strand). Cytogenetic location: 5p15.31.
Variant type: single nucleotide variant.
Coding change: c.*563C>T on transcript NM_017755.6 (MANE Select); 563 bases downstream of the stop codon, C replaced by T.
Molecular consequence: 3 prime UTR variant. On other transcripts: non-coding transcript variant (1).
Genome position (GRCh38, 1-based): chr5:6,599,363, G>A on the plus strand (C>T on the coding strand, the complement: NSUN2 is on the minus strand). VCF-style: chr5-6599363-G-A. GRCh37 (hg19) VCF-style: chr5-6599476-G-A.
Other names: c.*563C>T (NM_001193455.2).
Identifiers: ClinVar variation 354039 (VCV000354039.5), dbSNP rs374769713, ClinGen allele CA10622072.

ClinVar aggregate classification (germline): Benign (1 of 4 stars; one submission).

Conditions:
Intellectual developmental disorder, autosomal recessive 5. Also called: Intellectual disability, autosomal recessive 5. Identifiers: Orphanet 88616, MedGen C1970199, MONDO:0012613, OMIM 611091.

Allele frequency attached by ClinVar (database versions not stated): TOPMed 0.00012; gnomAD 0.00013; 1000 Genomes Project 30x 0.00671; 1000 Genomes Project 0.00779.

Submission:

Illumina Laboratory Services, Illumina
Classification: Benign for Intellectual developmental disorder, autosomal recessive 5. Last evaluated: 2018-01-12. Review status: criteria provided, single submitter. Criteria: ICSL Variant Classification Criteria 13 December 2019. Collection method: clinical testing. Allele origin: germline.
Comment: This variant was observed in the ICSL laboratory as part of a predisposition screen in an ostensibly healthy population. It had not been previously curated by ICSL or reported in the Human Gene Mutation Database (HGMD: prior to June 1st, 2018), and was therefore a candidate for classification through an automated scoring system. Utilizing variant allele frequency, disease prevalence and penetrance estimates, and inheritance mode, an automated score was calculated to assess if this variant is too frequent to cause the disease. Based on the score and internal cut-off values, a variant classified as benign is not then subjected to further curation. The score for this variant resulted in a classification of benign for this disease.